The following is an entry in ClinVar:

ClinVar aggregate classification (germline): Likely pathogenic. Review status: criteria provided, single submitter (1 of 4 stars). 3 submissions from 2 submitters: Likely pathogenic (1). 2 of the submissions do not count toward it. Last evaluated 2026-09-08.

Conditions:
Fabry disease. Also called: ALPHA-GALACTOSIDASE A DEFICIENCY; ANDERSON-FABRY DISEASE; CERAMIDE TRIHEXOSIDASE DEFICIENCY; Fabry's disease; Angiokeratoma corporis diffusum; Ceramide trihexosidosis. Identifiers: Orphanet 324, MedGen C0002986, MONDO:0010526, OMIM 301500, HP:0001071. Disease mechanism: loss of function, Fabry disease is due to inactivating mutations in the X-linked GLA gene resulting in deficiency of the enzyme Alpha Galactosidase-A..
Migalastat response. Also called: 1-Deoxygalactonojirimycin response; Galafold response. Identifiers: MedGen CN233149.

Submissions (3):

Genomenon, Inc
Classification: Likely pathogenic for Fabry disease. Last evaluated: 2026-09-08. Review status: criteria provided, single submitter. Criteria: Genomenon Sequence Variant Interpretation Standards - Updated. Collection method: curation. Allele origin: germline. Affected: yes.
Comment: GLA p.Ile219Met (c.657C>G) is a missense variant that changes the amino acid at codon 219 from Isoleucine to Methionine. This variant has been observed in at least one proband with clinical features consistent with Fabry disease (PMID:39343861;33204599). Functional or patient cell studies have been reported (PMID:26415523;39343861;33204599). It is absent or not present at a significant frequency in gnomAD. In silico models predict that this variant is possibly or probably damaging. In conclusion, we classify GLA p.Ile219Met (c.657C>G) as a likely pathogenic variant.

Albrecht-Kossel-Institute, Medical University Rostock
Classification: Likely pathogenic for Fabry's disease. Last evaluated: 2014-01-01. Review status: no assertion criteria provided. Collection method: research. Allele origin: inherited. Not counted in ClinVar's aggregate classification.

Albrecht-Kossel-Institute, Medical University Rostock
Classification: drug response for deoxygalactonojirimycin response. Last evaluated: 2014-01-01. Review status: no assertion criteria provided. Collection method: research. Allele origin: inherited. Not counted in ClinVar's aggregate classification.

Literature cited by the submitters: PubMed 39343861 (cited by Genomenon, Inc); PubMed 33204599 (cited by Genomenon, Inc); PubMed 26415523 (cited by Genomenon, Inc and Albrecht-Kossel-Institute, Medical University Rostock).

NM_000169.3(GLA):c.657C>G (p.Ile219Met)

Genes: GLA (galactosidase alpha; minus strand), RPL36A-HNRNPH2 (RPL36A-HNRNPH2 readthrough; plus strand). Cytogenetic location: Xq22.1.
Variant type: single nucleotide variant.
Coding change: c.657C>G on transcript NM_000169.3 (MANE Select); coding-DNA position 657, C replaced by G.
Protein change: p.Ile219Met; replaces isoleucine 219 with methionine.
Molecular consequence: missense variant. On other transcripts: non-coding transcript variant (3), intron variant (2).
Genome position (GRCh38, 1-based): chrX:101,398,929, G>C on the plus strand (C>G on the coding strand, the complement: GLA is on the minus strand). VCF-style: chrX-101398929-G-C. GRCh37 (hg19) VCF-style: chrX-100653917-G-C.
Other names: c.780C>G, p.Ile260Met (NM_001406747.1); c.657C>G, p.Ile219Met (NM_001406748.1); c.300+3472G>C (NM_001199973.2); c.177+7107G>C (NM_001199974.2); short protein forms I219M, I260M.
Identifiers: ClinVar variation 217393 (VCV000217393.3), dbSNP rs869312151, ClinGen allele CA353134.